The following is an entry in ClinVar:

NM_000257.4(MYH7):c.5725C>T (p.Arg1909Trp)

Gene: MYH7 (myosin heavy chain 7; minus strand). Cytogenetic location: 14q11.2.
Variant type: single nucleotide variant.
Coding change: c.5725C>T on transcript NM_000257.4 (MANE Select); coding-DNA position 5725, C replaced by T.
Protein change: p.Arg1909Trp; replaces arginine 1909 with tryptophan.
Molecular consequence: missense variant.
Genome position (GRCh38, 1-based): chr14:23,413,824, G>A on the plus strand (C>T on the coding strand, the complement: MYH7 is on the minus strand). VCF-style: chr14-23413824-G-A. GRCh37 (hg19) VCF-style: chr14-23883033-G-A.
Other names: short protein forms R1909W.
Identifiers: ClinVar variation 838063 (VCV000838063.47), dbSNP rs146796870, ClinGen allele CA048061.

ClinVar aggregate classification (germline): Uncertain significance. Review status: criteria provided, multiple submitters, no conflicts (2 of 4 stars). 11 submissions from 8 submitters: Uncertain significance (11). Last evaluated 2025-12-31.

Conditions:
MYH7-related cardiomyopathy.
MYH7-related skeletal myopathy. Also called: MYOPATHY, DISTAL, EARLY-ONSET, AUTOSOMAL DOMINANT; MYOPATHY, LATE DISTAL HEREDITARY; Myopathy, distal, 1; Laing early-onset distal myopathy; Laing distal myopathy. Identifiers: Orphanet 59135, MedGen C4552004, MONDO:0008050, OMIM 160500.
Cardiomyopathy (CMYO). Also called: Cardiomyopathies. Identifiers: Orphanet 167848, MedGen C0878544, MONDO:0004994, HP:0001638. Inheritance: Various modes of inheritance.
Hypertrophic cardiomyopathy. Also called: HYPERTROPHIC MYOCARDIOPATHY. Identifiers: Orphanet 217569, MedGen C0007194, MeSH D002312, MONDO:0005045, HP:0001639.
Myosin storage myopathy (CMYO7A). Also called: Scapuloperoneal myopathy, MYH7-related; MYOPATHY WITH LYSIS OF TYPE I MYOFIBRILS; MYH7-related late-onset scapuloperoneal muscular dystrophy; Congenital myopathy 7A, myosin storage, autosomal dominant; MYOPATHY, HYALINE BODY, AUTOSOMAL DOMINANT; SCAPULOPERONEAL MUSCULAR DYSTROPHY. Identifiers: Orphanet 437572, Orphanet 636965, MedGen C1842160, MONDO:0008409, OMIM 608358.
Hypertrophic cardiomyopathy 1 (CMH1). Also called: MYH7-Related Familial Hypertrophic Cardiomyopathy; Familial hypertrophic cardiomyopathy 1. Identifiers: MedGen C3495498, MONDO:0008647, OMIM 192600.
Dilated cardiomyopathy 1S (CMD1S). Identifiers: Orphanet 154, Orphanet 54260, MedGen C1834481, MONDO:0013262, OMIM 613426.

Allele frequency attached by ClinVar (database versions not stated): TOPMed 0.00001.
gnomAD v4.1: 16 of 1,614,128 alleles (0.00099%); highest among the groups gnomAD compares: African/African-American, 0.004%; no homozygotes.

Submissions (11):

Labcorp Genetics (formerly Invitae), Labcorp
Classification: Uncertain significance for Hypertrophic cardiomyopathy. Last evaluated: 2025-12-31. Review status: criteria provided, single submitter. Criteria: Invitae Variant Classification Sherloc (09022015). Collection method: clinical testing. Allele origin: germline.
Comment: This sequence change replaces arginine, which is basic and polar, with tryptophan, which is neutral and slightly polar, at codon 1909 of the MYH7 protein (p.Arg1909Trp). This variant is present in population databases (rs146796870, gnomAD 0.01%). This missense change has been observed in individual(s) with hypertrophic cardiomyopathy (PMID: 27532257, 37652022). ClinVar contains an entry for this variant (Variation ID: 838063). Invitae Evidence Modeling of protein sequence and biophysical properties (such as structural, functional, and spatial information, amino acid conservation, physicochemical variation, residue mobility, and thermodynamic stability) indicates that this missense variant is expected to disrupt MYH7 protein function with a positive predictive value of 95%. In summary, the available evidence is currently insufficient to determine the role of this variant in disease. Therefore, it has been classified as a Variant of Uncertain Significance.

All of Us Research Program, National Institutes of Health
Classification: Uncertain significance for Cardiomyopathy. Last evaluated: 2023-05-04. Review status: criteria provided, single submitter. Criteria: ACMG Guidelines, 2015. Collection method: clinical testing. Allele origin: germline. Inheritance: Autosomal dominant inheritance. Observed: 3 variant alleles, 3 heterozygotes.
Comment: This study involves interpretation of variants in research participants for the purpose of population health screening. Participant phenotype was not available at the time of variant classification. Additional details can be found in publication PMID: 35346344, PMCID: PMC8962531

Clinical Genomics Laboratory, Stanford Medicine
Classification: Uncertain significance for MYH7-related cardiomyopathy. Last evaluated: 2022-08-16. Review status: criteria provided, single submitter. Criteria: ACMG Guidelines, 2015. Collection method: clinical testing. Allele origin: paternal. Affected: yes. Observed: 2 variant alleles, 2 heterozygotes. Clinical features observed: sudden cardiac arrest.
Comment: The p.Arg1909Trp variant in the MYH7 gene has been previously reported in an individual with hypertrophic cardiomyopathy (PMID: 27532257) and in an unaffected individual identified as part of a population-based study (PMID: 34542152). This variant has been identified in 1/10,080 Ashkenazi Jewish chromosomes (3/251,478 chromosomes overall) by the Genome Aggregation Database. Although this variant has been seen in the general population, its frequency is low enough to be consistent with the prevalence of hypertrophic cardiomyopathy. This variant is present in ClinVar (Accession: VCV000838063.43). The MYH7 gene has fewer missense variants in the general population than expected. A low rate of missense variation may suggest that this gene is intolerant to missense variation; however, the p.Arg1909Trp variant does not occur within the head region of MYH7, an established hotspot involving amino acids 181-937. The arginine at position 1909 is strongly evolutionarily conserved. Computational tools predict that the p.Arg1909Trp variant is deleterious; however, the accuracy of in silico algorithms is limited. These data were assessed using the ACMG/AMP variant interpretation guidelines. In summary, the significance of the p.Arg1909Trp variant is uncertain. Additional information is needed to resolve the significance of this variant. [ACMG evidence codes used: PM2; PP3]

GeneDx
Classification: Uncertain significance. Last evaluated: 2022-04-18. Review status: criteria provided, single submitter. Criteria: GeneDx Variant Classification Process June 2021. Collection method: clinical testing. Allele origin: germline. Affected: yes.
Comment: Reported in a patient referred for hypertrophic cardiomyopathy genetic testing (Walsh et al., 2017); Not observed at a significant frequency in large population cohorts (gnomAD); In silico analysis supports that this missense variant has a deleterious effect on protein structure/function; This variant is associated with the following publications: (PMID: 27532257)

CeGaT Center for Human Genetics Tuebingen
Classification: Uncertain significance. Last evaluated: 2022-04-01. Review status: criteria provided, single submitter. Criteria: CeGaT Center For Human Genetics Tuebingen Variant Classification Criteria Version 2. Collection method: clinical testing. Allele origin: germline. Affected: yes. Observed: 1 variant allele.
Comment: MYH7: PP2, PP3

Color Diagnostics, LLC DBA Color Health
Classification: Uncertain significance for Cardiomyopathy. Last evaluated: 2021-10-07. Review status: criteria provided, single submitter. Criteria: ACMG Guidelines, 2015. Collection method: clinical testing. Allele origin: germline.
Comment: This missense variant replaces arginine with tryptophan at codon 1909 of the MYH7 protein. Computational prediction suggests that this variant may have deleterious impact on protein structure and function (internally defined REVEL score threshold >= 0.7, PMID: 27666373). To our knowledge, functional studies have not been reported for this variant. This variant has been reported in an individual affected with hypertrophic cardiomyopathy (PMID: 27532257). This variant has been identified in 3/251478 chromosomes in the general population by the Genome Aggregation Database (gnomAD). The available evidence is insufficient to determine the role of this variant in disease conclusively. Therefore, this variant is classified as a Variant of Uncertain Significance.

CHEO Genetics Diagnostic Laboratory, Children's Hospital of Eastern Ontario
Classification: Uncertain significance for Cardiomyopathy. Last evaluated: 2018-01-29. Review status: criteria provided, single submitter. Criteria: ACMG Guidelines, 2015. Collection method: clinical testing. Allele origin: germline.

Illumina Laboratory Services, Illumina
Classification: Uncertain significance for Hypertrophic cardiomyopathy 1. Last evaluated: 2017-04-27. Review status: criteria provided, single submitter. Criteria: ICSL Variant Classification Criteria 13 December 2019. Collection method: clinical testing. Allele origin: germline.

Illumina Laboratory Services, Illumina
Classification: Uncertain significance for Dilated cardiomyopathy 1S. Last evaluated: 2017-04-27. Review status: criteria provided, single submitter. Criteria: ICSL Variant Classification Criteria 13 December 2019. Collection method: clinical testing. Allele origin: germline.

Illumina Laboratory Services, Illumina
Classification: Uncertain significance for MYH7-related skeletal myopathy. Last evaluated: 2017-04-27. Review status: criteria provided, single submitter. Criteria: ICSL Variant Classification Criteria 13 December 2019. Collection method: clinical testing. Allele origin: germline.

Illumina Laboratory Services, Illumina
Classification: Uncertain significance for Myosin storage myopathy. Last evaluated: 2017-04-27. Review status: criteria provided, single submitter. Criteria: ICSL Variant Classification Criteria 13 December 2019. Collection method: clinical testing. Allele origin: germline.

Literature cited by the submitters: PubMed 27532257 (cited by 3 submitters); PubMed 37652022 (cited by Labcorp Genetics (formerly Invitae), Labcorp); PubMed 34542152 (cited by Clinical Genomics Laboratory, Stanford Medicine).